The following is an entry in ClinVar:

ClinVar aggregate classification (germline): Uncertain significance (1 of 4 stars; one submission).

Conditions:
Mendelian susceptibility to mycobacterial diseases due to complete IL12RB1 deficiency. Also called: IL12RB1 DEFICIENCY; Immunodeficiency 30. Identifiers: Orphanet 319552, MedGen C4013949, MONDO:0013955, OMIM 614891.

Allele frequency attached by ClinVar (database versions not stated): gnomAD exomes below 0.00001; ExAC 0.00001; gnomAD 0.00001; 1000 Genomes Project 30x 0.00016; 1000 Genomes Project 0.00020.
gnomAD v4.1: 8 of 1,613,246 alleles (0.0005%); highest among the groups gnomAD compares: South Asian, 0.0077%; no homozygotes.

Submission:

Labcorp Genetics (formerly Invitae), Labcorp
Classification: Uncertain significance for Mendelian susceptibility to mycobacterial diseases due to complete IL12RB1 deficiency. Last evaluated: 2022-07-06. Review status: criteria provided, single submitter. Criteria: Invitae Variant Classification Sherloc (09022015). Collection method: clinical testing. Allele origin: germline.
Comment: In summary, the available evidence is currently insufficient to determine the role of this variant in disease. Therefore, it has been classified as a Variant of Uncertain Significance. Algorithms developed to predict the effect of missense changes on protein structure and function are either unavailable or do not agree on the potential impact of this missense change (SIFT: "Deleterious"; PolyPhen-2: "Benign"; Align-GVGD: "Class C15"). ClinVar contains an entry for this variant (Variation ID: 1380937). This variant has not been reported in the literature in individuals affected with IL12RB1-related conditions. This variant is present in population databases (rs544324864, gnomAD 0.003%). This sequence change replaces phenylalanine, which is neutral and non-polar, with leucine, which is neutral and non-polar, at codon 89 of the IL12RB1 protein (p.Phe89Leu).

NM_005535.3(IL12RB1):c.265T>C (p.Phe89Leu)

Gene: IL12RB1 (interleukin 12 receptor subunit beta 1; minus strand). Cytogenetic location: 19p13.11.
Variant type: single nucleotide variant.
Coding change: c.265T>C on transcript NM_005535.3 (MANE Select); coding-DNA position 265, T replaced by C.
Protein change: p.Phe89Leu; replaces phenylalanine 89 with leucine.
Molecular consequence: missense variant.
Genome position (GRCh38, 1-based): chr19:18,080,976, A>G on the plus strand (T>C on the coding strand, the complement: IL12RB1 is on the minus strand). VCF-style: chr19-18080976-A-G. GRCh37 (hg19) VCF-style: chr19-18191786-A-G.
Other names: c.265T>C, p.Phe89Leu (NM_001290023.2, NM_153701.3); c.385T>C, p.Phe129Leu (NM_001290024.2); short protein forms F89L, F129L.
Identifiers: ClinVar variation 1380937 (VCV001380937.8), dbSNP rs544324864, ClinGen allele CA9305272.